The following is an entry in ClinVar:

ClinVar aggregate classification (germline): Uncertain significance. Review status: criteria provided, multiple submitters, no conflicts (2 of 4 stars). 2 submissions from 2 submitters: Uncertain significance (2). Last evaluated 2021-10-20.

Conditions:
Osteogenesis imperfecta type 6. Also called: Osteogenesis imperfecta, type VI. Identifiers: Orphanet 666, MedGen C3279564, MONDO:0013515, OMIM 613982.

Allele frequency attached by ClinVar (database versions not stated): ExAC 0.00002.
gnomAD v4.1: 7 of 1,614,162 alleles (0.00043%); highest among the groups gnomAD compares: East Asian, 0.016%; no homozygotes.

Submissions (2):

Labcorp Genetics (formerly Invitae), Labcorp
Classification: Uncertain significance. Last evaluated: 2021-10-20. Review status: criteria provided, single submitter. Criteria: Invitae Variant Classification Sherloc (09022015). Collection method: clinical testing. Allele origin: germline.
Comment: In summary, the available evidence is currently insufficient to determine the role of this variant in disease. Therefore, it has been classified as a Variant of Uncertain Significance. Algorithms developed to predict the effect of missense changes on protein structure and function are either unavailable or do not agree on the potential impact of this missense change (SIFT: "Not Available"; PolyPhen-2: "Probably Damaging"; Align-GVGD: "Not Available"). ClinVar contains an entry for this variant (Variation ID: 890695). This variant has not been reported in the literature in individuals affected with SERPINF1-related conditions. This variant is present in population databases (rs746341445, gnomAD 0.03%). This sequence change replaces leucine, which is neutral and non-polar, with methionine, which is neutral and non-polar, at codon 353 of the SERPINF1 protein (p.Leu353Met).

Illumina Laboratory Services, Illumina
Classification: Uncertain significance for Osteogenesis imperfecta type 6. Last evaluated: 2017-04-27. Review status: criteria provided, single submitter. Criteria: ICSL Variant Classification Criteria 13 December 2019. Collection method: clinical testing. Allele origin: germline.

NM_002615.7(SERPINF1):c.1057C>A (p.Leu353Met)

Gene: SERPINF1 (serpin family F member 1; plus strand). Cytogenetic location: 17p13.3.
Variant type: single nucleotide variant.
Coding change: c.1057C>A on transcript NM_002615.7 (MANE Select); coding-DNA position 1057, C replaced by A.
Protein change: p.Leu353Met; replaces leucine 353 with methionine.
Molecular consequence: missense variant.
Genome position (GRCh38, 1-based): chr17:1,777,246, C>A. VCF-style: chr17-1777246-C-A. GRCh37 (hg19) VCF-style: chr17-1680540-C-A.
Other names: c.1057C>A, p.Leu353Met (NM_001329903.2); c.496C>A, p.Leu166Met (NM_001329904.2, NM_001329905.2); short protein forms L353M, L166M.
Identifiers: ClinVar variation 890695 (VCV000890695.9), dbSNP rs746341445, ClinGen allele CA8274944.